The following is an entry in ClinVar:

NM_004320.6(ATP2A1):c.2752G>A (p.Glu918Lys)

Gene: ATP2A1 (ATPase sarcoplasmic/endoplasmic reticulum Ca2+ transporting 1; plus strand). Cytogenetic location: 16p11.2.
Variant type: single nucleotide variant.
Coding change: c.2752G>A on transcript NM_004320.6 (MANE Select); coding-DNA position 2752, G replaced by A.
Protein change: p.Glu918Lys; replaces glutamic acid 918 with lysine.
Molecular consequence: missense variant.
Genome position (GRCh38, 1-based): chr16:28,903,037, G>A. VCF-style: chr16-28903037-G-A. GRCh37 (hg19) VCF-style: chr16-28914358-G-A.
Other names: c.2377G>A, p.Glu793Lys (NM_001286075.2); c.2752G>A, p.Glu918Lys (NM_173201.5); short protein forms E918K, E793K.
Identifiers: ClinVar variation 446881 (VCV000446881.9), dbSNP rs376101862, ClinGen allele CA7987398.

ClinVar aggregate classification (germline): Uncertain significance. Review status: criteria provided, multiple submitters, no conflicts (2 of 4 stars). 2 submissions from 2 submitters: Uncertain significance (2). Last evaluated 2021-08-31.

Conditions:
Brody myopathy. Also called: BRODY DISEASE. Identifiers: Orphanet 53347, MedGen C1832918, MONDO:0010977, OMIM 601003.

Allele frequency attached by ClinVar (database versions not stated): gnomAD exomes below 0.00001 and 0.00001; ExAC 0.00002; gnomAD 0.00002; TOPMed 0.00002; ESP Exome Variant Server 0.00008.
gnomAD v4.1: 6 of 1,613,558 alleles (0.00037%); highest among the groups gnomAD compares: Admixed American, 0.0033%; no homozygotes.

Submissions (2):

Labcorp Genetics (formerly Invitae), Labcorp
Classification: Uncertain significance for Brody myopathy. Last evaluated: 2021-08-31. Review status: criteria provided, single submitter. Criteria: Invitae Variant Classification Sherloc (09022015). Collection method: clinical testing. Allele origin: germline.
Comment: This sequence change replaces glutamic acid with lysine at codon 918 of the ATP2A1 protein (p.Glu918Lys). The glutamic acid residue is highly conserved and there is a small physicochemical difference between glutamic acid and lysine. This variant is present in population databases (rs376101862, ExAC 0.01%). This variant has not been reported in the literature in individuals affected with ATP2A1-related conditions. ClinVar contains an entry for this variant (Variation ID: 446881). Algorithms developed to predict the effect of missense changes on protein structure and function are either unavailable or do not agree on the potential impact of this missense change (SIFT: "Deleterious"; PolyPhen-2: "Probably Damaging"; Align-GVGD: "Class C0"). In summary, the available evidence is currently insufficient to determine the role of this variant in disease. Therefore, it has been classified as a Variant of Uncertain Significance.

Athena Diagnostics
Classification: Uncertain significance. Last evaluated: 2017-06-13. Review status: criteria provided, single submitter. Criteria: Athena Diagnostics Criteria. Collection method: clinical testing. Allele origin: germline.